The following is an entry in ClinVar:

NM_000138.5(FBN1):c.2608A>C (p.Thr870Pro)

Gene: FBN1 (fibrillin 1; minus strand). Cytogenetic location: 15q21.1.
Variant type: single nucleotide variant.
Coding change: c.2608A>C on transcript NM_000138.5 (MANE Select); coding-DNA position 2608, A replaced by C.
Protein change: p.Thr870Pro; replaces threonine 870 with proline.
Molecular consequence: missense variant.
Genome position (GRCh38, 1-based): chr15:48,495,192, T>G on the plus strand (A>C on the coding strand, the complement: FBN1 is on the minus strand). VCF-style: chr15-48495192-T-G. GRCh37 (hg19) VCF-style: chr15-48787389-T-G.
Other names: c.2608A>C, p.Thr870Pro (NM_001406716.1); short protein forms T870P.
Identifiers: ClinVar variation 4784972 (VCV004784972.1).

ClinVar aggregate classification (germline): Uncertain significance (1 of 4 stars; one submission).

Conditions:
Marfan syndrome (MFS). Also called: FBN1-Related Marfan Syndrome; MARFAN SYNDROME, TYPE I; Marfan syndrome type 1; Marfan's syndrome; Marfan syndrome, classic. Identifiers: Orphanet 284963, Orphanet 558, MedGen C0024796, MONDO:0007947, OMIM 154700.
Familial thoracic aortic aneurysm and aortic dissection (TAAD). Also called: Thoracic aortic aneurysms and dissections. Identifiers: Orphanet 91387, MedGen C4707243, MONDO:0019625.

Submission:

Labcorp Genetics (formerly Invitae), Labcorp
Classification: Uncertain significance for Marfan syndrome; Familial thoracic aortic aneurysm and aortic dissection. Last evaluated: 2025-03-22. Review status: criteria provided, single submitter. Criteria: Invitae Variant Classification Sherloc (09022015). Collection method: clinical testing. Allele origin: germline.
Comment: This sequence change replaces threonine, which is neutral and polar, with proline, which is neutral and non-polar, at codon 870 of the FBN1 protein (p.Thr870Pro). This variant is not present in population databases (gnomAD no frequency). This variant has not been reported in the literature in individuals affected with FBN1-related conditions. Invitae Evidence Modeling of protein sequence and biophysical properties (such as structural, functional, and spatial information, amino acid conservation, physicochemical variation, residue mobility, and thermodynamic stability) indicates that this missense variant is expected to disrupt FBN1 protein function with a positive predictive value of 95%. In summary, the available evidence is currently insufficient to determine the role of this variant in disease. Therefore, it has been classified as a Variant of Uncertain Significance.